The following is an entry in ClinVar:

ClinVar aggregate classification (germline): Uncertain significance (1 of 4 stars; one submission).

Submission:

GeneDx
Classification: Uncertain significance. Last evaluated: 2025-02-20. Review status: criteria provided, single submitter. Criteria: GeneDx Variant Classification Process June 2021. Collection method: clinical testing. Allele origin: germline. Affected: yes.
Comment: Not observed at significant frequency in large population cohorts (gnomAD); In silico analysis indicates that this missense variant does not alter protein structure/function; Has not been previously published as pathogenic or benign to our knowledge

NM_001271.4(CHD2):c.5276C>T (p.Ser1759Leu)

Gene: CHD2 (chromodomain helicase DNA binding protein 2; plus strand). Cytogenetic location: 15q26.1.
Variant type: single nucleotide variant.
Coding change: c.5276C>T on transcript NM_001271.4 (MANE Select); coding-DNA position 5276, C replaced by T.
Protein change: p.Ser1759Leu; replaces serine 1759 with leucine.
Molecular consequence: missense variant.
Genome position (GRCh38, 1-based): chr15:93,024,494, C>T. VCF-style: chr15-93024494-C-T. GRCh37 (hg19) VCF-style: chr15-93567724-C-T.
Other names: short protein forms S1759L.
Identifiers: ClinVar variation 4076861 (VCV004076861.1).